The following is an entry in ClinVar:

NM_000155.3(GALT):c.-837dupT

Gene: GALT (galactose-1-phosphate uridylyltransferase; plus strand). Cytogenetic location: 9p13.3.
Variant type: Duplication.
Coding change: c.-837dupT on transcript NM_000155.3; 837 bases upstream of the start codon, one base duplicated (T).
Genome position (GRCh38, 1-based): chr9:34,645,868, T duplicated; the last of 20 consecutive T bases (chr9:34,645,849-34,645,868); duplicating any one gives the same sequence. VCF-style (leftmost placement, unchanged base first): chr9-34645848-A-AT. GRCh37 (hg19) VCF-style: chr9-34645845-A-AT.
Identifiers: ClinVar variation 1331458 (VCV001331458.3), dbSNP rs549043849, ClinGen allele CA587243221.

ClinVar aggregate classification (germline): Benign (1 of 4 stars; one submission).

Submission:

Women's Health and Genetics/Laboratory Corporation of America, LabCorp
Classification: Benign. Last evaluated: 2021-12-20. Review status: criteria provided, single submitter. Criteria: LabCorp Variant Classification Summary - May 2015. Collection method: clinical testing. Allele origin: germline.
Comment: Variant summary: GALT c.-837dupT is located in the untranscribed region upstream of the GALT gene region. The variant allele was found at a frequency of 0.04 in 19482 control chromosomes in the gnomAD database, including 31 homozygotes. The observed variant frequency is approximately 13.73 fold of the estimated maximal expected allele frequency for a pathogenic variant in GALT causing Galactosemia phenotype (0.0029), strongly suggesting that the variant is benign. No clinical diagnostic laboratories have submitted clinical-significance assessments for this variant to ClinVar after 2014. Based on the evidence outlined above, the variant was classified as benign.